The following is an entry in ClinVar:

ClinVar aggregate classification (germline): Uncertain significance (1 of 4 stars; one submission).

Conditions:
Saldino-Mainzer syndrome (SRTD9). Also called: CONORENAL SYNDROME; Renal dysplasia, retinal pigmentary dystrophy, cerebellar ataxia and skeletal dysplasia; SHORT-RIB THORACIC DYSPLASIA 9 WITHOUT POLYDACTYLY; short-rib thoracic dysplasia 9 with or without polydactyly. Identifiers: Orphanet 140969, MedGen C1849437, MONDO:0009964, OMIM 266920.

Submission:

Labcorp Genetics (formerly Invitae), Labcorp
Classification: Uncertain significance for Saldino-Mainzer syndrome. Last evaluated: 2022-02-06. Review status: criteria provided, single submitter. Criteria: Invitae Variant Classification Sherloc (09022015). Collection method: clinical testing. Allele origin: germline.
Comment: This sequence change creates a premature translational stop signal (p.Tyr1414*) in the IFT140 gene. While this is not anticipated to result in nonsense mediated decay, it is expected to disrupt the last 49 amino acid(s) of the IFT140 protein. In summary, the available evidence is currently insufficient to determine the role of this variant in disease. Therefore, it has been classified as a Variant of Uncertain Significance. Experimental studies and prediction algorithms are not available or were not evaluated, and the functional significance of this variant is currently unknown. This variant has not been reported in the literature in individuals affected with IFT140-related conditions. This variant is not present in population databases (gnomAD no frequency).

NM_014714.4(IFT140):c.4242C>A (p.Tyr1414Ter)

Gene: IFT140 (intraflagellar transport 140; minus strand). Cytogenetic location: 16p13.3.
Variant type: single nucleotide variant.
Coding change: c.4242C>A on transcript NM_014714.4 (MANE Select); coding-DNA position 4242, C replaced by A.
Protein change: p.Tyr1414Ter; replaces tyrosine 1414 with a stop codon.
Molecular consequence: nonsense.
Genome position (GRCh38, 1-based): chr16:1,511,091, G>T on the plus strand (C>A on the coding strand, the complement: IFT140 is on the minus strand). VCF-style: chr16-1511091-G-T. GRCh37 (hg19) VCF-style: chr16-1561092-G-T.
Other names: short protein forms Y1414*.
Identifiers: ClinVar variation 2093929 (VCV002093929.4), dbSNP rs1340703438, ClinGen allele CA394222468.
Genomic context (GRCh38, chr16:1,511,091, plus strand): 5'-GGTGCGTGGCAGTGGGAGACCCAGCCCCCGGTGCACGGCGTCCACGGCCTGCGGGCTCAC[G>T]TAGTAGGACATGTTGGCCAAGGGAAGCCGCCGCCGCATCTCCTCCAGGAATCTGTAGGCC-3'